The following is an entry in ClinVar:

ClinVar aggregate classification (germline): Uncertain significance. Review status: criteria provided, multiple submitters, no conflicts (2 of 4 stars). 2 submissions from 2 submitters: Uncertain significance (2). Last evaluated 2024-09-01.

Conditions:
Hereditary cancer-predisposing syndrome. Also called: Neoplastic Syndromes, Hereditary; Hereditary Cancer Syndrome; Tumor predisposition; Hereditary neoplastic syndrome. Identifiers: Orphanet 140162, MedGen C0027672, MeSH D009386, MONDO:0015356.
Juvenile polyposis syndrome (JPS). Identifiers: Orphanet 2929, MedGen C0345893, MONDO:0017380, OMIM 174900.

Submissions (2):

Ambry Genetics
Classification: Uncertain significance for Hereditary cancer-predisposing syndrome. Last evaluated: 2024-09-01. Review status: criteria provided, single submitter. Criteria: Ambry Variant Classification Scheme 2023. Collection method: clinical testing. Allele origin: germline.
Comment: The p.A84V variant (also known as c.251C>T), located in coding exon 3 of the BMPR1A gene, results from a C to T substitution at nucleotide position 251. The alanine at codon 84 is replaced by valine, an amino acid with similar properties. This amino acid position is conserved. In addition, the in silico prediction for this alteration is inconclusive. Based on the available evidence, the clinical significance of this variant remains unclear.

Labcorp Genetics (formerly Invitae), Labcorp
Classification: Uncertain significance for Juvenile polyposis syndrome. Last evaluated: 2023-01-05. Review status: criteria provided, single submitter. Criteria: Invitae Variant Classification Sherloc (09022015). Collection method: clinical testing. Allele origin: germline.
Comment: This variant is not present in population databases (gnomAD no frequency). This sequence change replaces alanine, which is neutral and non-polar, with valine, which is neutral and non-polar, at codon 84 of the BMPR1A protein (p.Ala84Val). This variant has not been reported in the literature in individuals affected with BMPR1A-related conditions. In summary, the available evidence is currently insufficient to determine the role of this variant in disease. Therefore, it has been classified as a Variant of Uncertain Significance. Advanced modeling of protein sequence and biophysical properties (such as structural, functional, and spatial information, amino acid conservation, physicochemical variation, residue mobility, and thermodynamic stability) performed at Invitae indicates that this missense variant is not expected to disrupt BMPR1A protein function. ClinVar contains an entry for this variant (Variation ID: 1513323).

NM_004329.3(BMPR1A):c.251C>T (p.Ala84Val)

Gene: BMPR1A (bone morphogenetic protein receptor type 1A; plus strand). Cytogenetic location: 10q23.2.
Variant type: single nucleotide variant.
Coding change: c.251C>T on transcript NM_004329.3 (MANE Select); coding-DNA position 251, C replaced by T.
Protein change: p.Ala84Val; replaces alanine 84 with valine.
Molecular consequence: missense variant.
Genome position (GRCh38, 1-based): chr10:86,892,147, C>T. VCF-style: chr10-86892147-C-T. GRCh37 (hg19) VCF-style: chr10-88651904-C-T.
Other names: c.251C>T (NM_004329.2); short protein forms A84V.
Identifiers: ClinVar variation 1513323 (VCV001513323.9), dbSNP rs2133407821, ClinGen allele CA377447998.